The following is an entry in ClinVar:

ClinVar aggregate classification (germline): Likely benign (1 of 4 stars; one submission).

Allele frequency attached by ClinVar (database versions not stated): gnomAD exomes below 0.00001.
gnomAD v4.1: 2 of 1,613,846 alleles (0.00012%); highest among the groups gnomAD compares: South Asian, 0.0022%; no homozygotes.

Submission:

CeGaT Center for Human Genetics Tuebingen
Classification: Likely benign. Last evaluated: 2022-10-01. Review status: criteria provided, single submitter. Criteria: CeGaT Center For Human Genetics Tuebingen Variant Classification Criteria Version 2. Collection method: clinical testing. Allele origin: germline. Affected: yes. Observed: 1 variant allele.
Comment: PIK3R2: PM2:Supporting, BP4, BP7

NM_005027.4(PIK3R2):c.891T>C (p.Val297=)

Gene: PIK3R2 (phosphoinositide-3-kinase regulatory subunit 2; plus strand). Cytogenetic location: 19p13.11.
Variant type: single nucleotide variant.
Coding change: c.891T>C on transcript NM_005027.4 (MANE Select); coding-DNA position 891, T replaced by C.
Protein change: p.Val297=; no amino-acid change (valine 297 retained).
Molecular consequence: synonymous variant. On other transcripts: non-coding transcript variant (2).
Genome position (GRCh38, 1-based): chr19:18,162,041, T>C. VCF-style: chr19-18162041-T-C. GRCh37 (hg19) VCF-style: chr19-18272851-T-C.
Identifiers: ClinVar variation 2649569 (VCV002649569.24), dbSNP rs2513563215, ClinGen allele CA506108511.